The following is an entry in ClinVar:

NM_004482.4(GALNT3):c.86dup (p.Phe30fs)

Gene: GALNT3 (polypeptide N-acetylgalactosaminyltransferase 3; minus strand). Cytogenetic location: 2q24.3.
Variant type: Duplication.
Coding change: c.86dup on transcript NM_004482.4 (MANE Select); coding-DNA position 86, one base duplicated (T; older notation c.86dupT).
Protein change: p.Phe30fs; shifts the reading frame from phenylalanine 30.
Molecular consequence: frameshift variant.
Genome position (GRCh38, 1-based): chr2:165,770,615, A duplicated on the plus strand (T on the coding strand, the reverse complement: GALNT3 is on the minus strand); the first of 7 consecutive A bases (chr2:165,770,615-165,770,621); duplicating any one gives the same sequence. VCF-style (leftmost placement, unchanged base first): chr2-165770614-G-GA. GRCh37 (hg19) VCF-style: chr2-166627124-G-GA.
Other names: short protein forms F30fs.
Identifiers: ClinVar variation 3632266 (VCV003632266.2).

ClinVar aggregate classification (germline): Pathogenic (1 of 4 stars; one submission).

Submission:

Labcorp Genetics (formerly Invitae), Labcorp
Classification: Pathogenic. Last evaluated: 2024-02-06. Review status: criteria provided, single submitter. Criteria: Invitae Variant Classification Sherloc (09022015). Collection method: clinical testing. Allele origin: germline.
Comment: This sequence change creates a premature translational stop signal (p.Phe30Leufs*45) in the GALNT3 gene. It is expected to result in an absent or disrupted protein product. Loss-of-function variants in GALNT3 are known to be pathogenic (PMID: 15133511, 20358599). This variant is not present in population databases (gnomAD no frequency). This variant has not been reported in the literature in individuals affected with GALNT3-related conditions. For these reasons, this variant has been classified as Pathogenic.

Literature cited by the submitters: PubMed 15133511; PubMed 20358599.